The following is an entry in ClinVar:

NM_001267550.2(TTN):c.101706G>C (p.Glu33902Asp)

Genes: TTN-AS1 (TTN antisense RNA 1; plus strand), TTN (titin; minus strand). Cytogenetic location: 2q31.2.
Variant type: single nucleotide variant.
Coding change: c.101706G>C on transcript NM_001267550.2 (MANE Select); coding-DNA position 101706, G replaced by C.
Protein change: p.Glu33902Asp; replaces glutamic acid 33902 with aspartic acid.
Molecular consequence: missense variant.
Genome position (GRCh38, 1-based): chr2:178,534,909, C>G on the plus strand (G>C on the coding strand, the complement: TTN is on the minus strand). VCF-style: chr2-178534909-C-G. GRCh37 (hg19) VCF-style: chr2-179399636-C-G.
Other names: c.96783G>C, p.Glu32261Asp (NM_001256850.1); c.74511G>C, p.Glu24837Asp (NM_003319.4); c.94002G>C, p.Glu31334Asp (NM_133378.4); c.74886G>C, p.Glu24962Asp (NM_133432.3); c.75087G>C, p.Glu25029Asp (NM_133437.4); short protein forms E24837D, E24962D, E25029D, E31334D, E32261D, E33902D.
Identifiers: ClinVar variation 1008049 (VCV001008049.7), dbSNP rs1559042152, ClinGen allele CA349419832.

ClinVar aggregate classification (germline): Uncertain significance (1 of 4 stars; one submission).

Conditions:
Dilated cardiomyopathy 1G (CMD1G). Identifiers: Orphanet 154, MedGen C1858763, MONDO:0011400, OMIM 604145.
Autosomal recessive limb-girdle muscular dystrophy type 2J (LGMDR10). Also called: Limb-girdle muscular dystrophy, type 2J; MUSCULAR DYSTROPHY, LIMB-GIRDLE, AUTOSOMAL RECESSIVE 10. Identifiers: Orphanet 140922, MedGen C1837342, MONDO:0012127, OMIM 608807.

Submission:

Labcorp Genetics (formerly Invitae), Labcorp
Classification: Uncertain significance for Dilated cardiomyopathy 1G; Autosomal recessive limb-girdle muscular dystrophy type 2J. Last evaluated: 2021-01-31. Review status: criteria provided, single submitter. Criteria: Invitae Variant Classification Sherloc (09022015). Collection method: clinical testing. Allele origin: germline.
Comment: In summary, the available evidence is currently insufficient to determine the role of this variant in disease. Therefore, it has been classified as a Variant of Uncertain Significance. Algorithms developed to predict the effect of missense changes on protein structure and function are unavailable for the TTN gene. This variant is located in the M band of TTN (PMID: 25589632). Variants in this region may be relevant for neuromuscular disorders, but have not been definitively shown to cause cardiomyopathy (PMID: 23975875). This variant has not been reported in the literature in individuals with TTN-related conditions. This variant is not present in population databases (ExAC no frequency). This sequence change replaces glutamic acid with aspartic acid at codon 33902 of the TTN protein (p.Glu33902Asp). There is a small physicochemical difference between glutamic acid and aspartic acid.

Literature cited by the submitters: PubMed 25589632; PubMed 23975875.